The following is an entry in ClinVar:

ClinVar aggregate classification (germline): Uncertain significance (1 of 4 stars; one submission).

Submission:

GeneDx
Classification: Uncertain significance. Last evaluated: 2017-05-22. Review status: criteria provided, single submitter. Criteria: GeneDx Variant Classification (06012015). Collection method: clinical testing. Allele origin: germline. Affected: yes.
Comment: The T371S variant has not been published as a pathogenic variant, nor has it been reported as a benign variant to our knowledge. The T371S variant is not observed in large population cohorts (Lek et al., 2016; 1000 Genomes Consortium et al., 2015; Exome Variant Server). The T371S variant is a conservative amino acid substitution, which is not likely to impact secondary protein structure as these residues share similar properties. This substitution occurs at a position that is not conserved. In silico analysis predicts this variant likely does not alter the protein structure/function. In summary, based on the currently available information, it is unclear whether this variant is a pathogenic variant or a rare benign variant.

NM_006767.4(LZTR1):c.1112C>G (p.Thr371Ser)

Gene: LZTR1 (leucine zipper like transcription regulator 1; plus strand). Cytogenetic location: 22q11.21.
Variant type: single nucleotide variant.
Coding change: c.1112C>G on transcript NM_006767.4 (MANE Select); coding-DNA position 1112, C replaced by G.
Protein change: p.Thr371Ser; replaces threonine 371 with serine.
Molecular consequence: missense variant.
Genome position (GRCh38, 1-based): chr22:20,992,332, C>G. VCF-style: chr22-20992332-C-G. GRCh37 (hg19) VCF-style: chr22-21346621-C-G.
Other names: short protein forms T371S.
Identifiers: ClinVar variation 430340 (VCV000430340.2), dbSNP rs372126023, ClinGen allele CA410782084.